The following is an entry in ClinVar:

ClinVar aggregate classification (germline): Uncertain significance (1 of 4 stars; one submission).

Conditions:
Primary ciliary dyskinesia. Also called: Ciliary dyskinesia. Identifiers: Orphanet 244, MedGen C0008780, MONDO:0016575, HP:0012265.

Allele frequency attached by ClinVar (database versions not stated): gnomAD exomes below 0.00001; TOPMed below 0.00001; ExAC 0.00001; gnomAD 0.00002; 1000 Genomes Project 30x 0.00016; 1000 Genomes Project 0.00020.
gnomAD v4.1: 6 of 1,608,594 alleles (0.00037%); highest among the groups gnomAD compares: Non-Finnish European, 0.00051%; no homozygotes.

Submission:

Ambry Genetics
Classification: Uncertain significance for Primary ciliary dyskinesia. Last evaluated: 2023-06-04. Review status: criteria provided, single submitter. Criteria: Ambry Variant Classification Scheme 2023. Collection method: clinical testing. Allele origin: germline.
Comment: The p.N2327K variant (also known as c.6981T>A), located in coding exon 42 of the DNAH11 gene, results from a T to A substitution at nucleotide position 6981. The asparagine at codon 2327 is replaced by lysine, an amino acid with similar properties. This amino acid position is not well conserved in available vertebrate species. In addition, this alteration is predicted to be tolerated by in silico analysis. Since supporting evidence is limited at this time, the clinical significance of this alteration remains unclear.

NM_001277115.2(DNAH11):c.6981T>A (p.Asn2327Lys)

Gene: DNAH11 (dynein axonemal heavy chain 11; plus strand). Cytogenetic location: 7p15.3.
Variant type: single nucleotide variant.
Coding change: c.6981T>A on transcript NM_001277115.2 (MANE Select); coding-DNA position 6981, T replaced by A.
Protein change: p.Asn2327Lys; replaces asparagine 2327 with lysine.
Molecular consequence: missense variant.
Genome position (GRCh38, 1-based): chr7:21,711,858, T>A. VCF-style: chr7-21711858-T-A. GRCh37 (hg19) VCF-style: chr7-21751476-T-A.
Other names: c.7002T>A, p.Asn2334Lys (NM_003777.3); short protein forms N2327K, N2334K.
Identifiers: ClinVar variation 2561482 (VCV002561482.2), dbSNP rs190859156, ClinGen allele CA4181051.
Genomic context (GRCh38, chr7:21,711,858, plus strand): 5'-CCCGGCCACTGTTTCCAGAGCTGGTATTCTGTATGTGAACCCACAAGATCTGGGCTGGAA[T>A]CCGTGAGTATTTCTTTTTGTTTTATTGTAGTAAATTGTATGTAACATAACATTTACCATT-3'
Protein context (NP_001264044.1, residues 2317-2337): LYVNPQDLGW[Asn2327Lys]PYVASWIDRR